The following is an entry in ClinVar:

ClinVar aggregate classification (germline): Uncertain significance (1 of 4 stars; one submission).

Submission:

Labcorp Genetics (formerly Invitae), Labcorp
Classification: Uncertain significance. Last evaluated: 2022-10-17. Review status: criteria provided, single submitter. Criteria: Invitae Variant Classification Sherloc (09022015). Collection method: clinical testing. Allele origin: germline.
Comment: In summary, the available evidence is currently insufficient to determine the role of this variant in disease. Therefore, it has been classified as a Variant of Uncertain Significance. This variant is not present in population databases (gnomAD no frequency). Algorithms developed to predict the effect of missense changes on protein structure and function (SIFT, PolyPhen-2, Align-GVGD) all suggest that this variant is likely to be tolerated. This variant has not been reported in the literature in individuals affected with ARFGEF2-related conditions. This sequence change replaces serine, which is neutral and polar, with cysteine, which is neutral and slightly polar, at codon 236 of the ARFGEF2 protein (p.Ser236Cys).

NM_006420.3(ARFGEF2):c.706A>T (p.Ser236Cys)

Gene: ARFGEF2 (ARF guanine nucleotide exchange factor 2; plus strand). Cytogenetic location: 20q13.13.
Variant type: single nucleotide variant.
Coding change: c.706A>T on transcript NM_006420.3 (MANE Select); coding-DNA position 706, A replaced by T.
Protein change: p.Ser236Cys; replaces serine 236 with cysteine.
Molecular consequence: missense variant.
Genome position (GRCh38, 1-based): chr20:48,953,658, A>T. VCF-style: chr20-48953658-A-T. GRCh37 (hg19) VCF-style: chr20-47570195-A-T.
Other names: c.706A>T, p.Ser236Cys (NM_001410846.1); short protein forms S236C.
Identifiers: ClinVar variation 2058717 (VCV002058717.4), dbSNP rs1017267898, ClinGen allele CA409320658.